The following is an entry in ClinVar:

NM_001364171.2(ODAD1):c.127C>T (p.Arg43Trp)

Gene: ODAD1 (outer dynein arm docking complex subunit 1; minus strand). Cytogenetic location: 19q13.33.
Variant type: single nucleotide variant.
Coding change: c.127C>T on transcript NM_001364171.2 (MANE Select); coding-DNA position 127, C replaced by T.
Protein change: p.Arg43Trp; replaces arginine 43 with tryptophan.
Molecular consequence: missense variant.
Genome position (GRCh38, 1-based): chr19:48,318,756, G>A on the plus strand (C>T on the coding strand, the complement: ODAD1 is on the minus strand). VCF-style: chr19-48318756-G-A. GRCh37 (hg19) VCF-style: chr19-48822013-G-A.
Other names: c.16C>T, p.Arg6Trp (NM_144577.4); short protein forms R43W, R6W.
Identifiers: ClinVar variation 1056148 (VCV001056148.6), dbSNP rs1214771019, ClinGen allele CA406666555.

ClinVar aggregate classification (germline): Uncertain significance (1 of 4 stars; one submission).

Conditions:
Primary ciliary dyskinesia. Also called: Ciliary dyskinesia. Identifiers: Orphanet 244, MedGen C0008780, MONDO:0016575, HP:0012265.

Allele frequency attached by ClinVar (database versions not stated): TOPMed below 0.00001; gnomAD 0.00001; gnomAD exomes 0.00001.
gnomAD v4.1: 17 of 1,551,124 alleles (0.0011%); highest among the groups gnomAD compares: Admixed American, 0.0059%; no homozygotes.

Submission:

Labcorp Genetics (formerly Invitae), Labcorp
Classification: Uncertain significance for Primary ciliary dyskinesia. Last evaluated: 2022-07-12. Review status: criteria provided, single submitter. Criteria: Invitae Variant Classification Sherloc (09022015). Collection method: clinical testing. Allele origin: germline.
Comment: This sequence change replaces arginine, which is basic and polar, with tryptophan, which is neutral and slightly polar, at codon 6 of the CCDC114 protein (p.Arg6Trp). The frequency data for this variant in the population databases is considered unreliable, as metrics indicate poor data quality at this position in the gnomAD database. This variant has not been reported in the literature in individuals affected with CCDC114-related conditions. ClinVar contains an entry for this variant (Variation ID: 1056148). Algorithms developed to predict the effect of missense changes on protein structure and function are either unavailable or do not agree on the potential impact of this missense change (SIFT: "Deleterious"; PolyPhen-2: "Probably Damaging"; Align-GVGD: "Class C0"). Algorithms developed to predict the effect of sequence changes on RNA splicing suggest that this variant may disrupt the consensus splice site. In summary, the available evidence is currently insufficient to determine the role of this variant in disease. Therefore, it has been classified as a Variant of Uncertain Significance.